The following is an entry in ClinVar:

ClinVar aggregate classification (germline): Uncertain significance (1 of 4 stars; one submission).

Submission:

GeneDx
Classification: Uncertain significance. Last evaluated: 2025-11-21. Review status: criteria provided, single submitter. Criteria: GeneDx Variant Classification Process June 2021. Collection method: clinical testing. Allele origin: germline.
Comment: Not observed at significant frequency in large population cohorts (gnomAD); In silico analysis suggests that this missense variant does not alter protein structure/function; Has not been previously published as pathogenic or benign to our knowledge

NM_138383.3(MTSS2):c.44T>A (p.Phe15Tyr)

Gene: MTSS2 (MTSS I-BAR domain containing 2; minus strand). Cytogenetic location: 16q22.1.
Variant type: single nucleotide variant.
Coding change: c.44T>A on transcript NM_138383.3 (MANE Select); coding-DNA position 44, T replaced by A.
Protein change: p.Phe15Tyr; replaces phenylalanine 15 with tyrosine.
Molecular consequence: missense variant.
Genome position (GRCh38, 1-based): chr16:70,685,748, A>T on the plus strand (T>A on the coding strand, the complement: MTSS2 is on the minus strand). VCF-style: chr16-70685748-A-T. GRCh37 (hg19) VCF-style: chr16-70719651-A-T.
Other names: short protein forms F15Y.
Identifiers: ClinVar variation 4282152 (VCV004282152.2).